The following is an entry in ClinVar:

NM_000179.3(MSH6):c.2993C>T (p.Ser998Phe)

Gene: MSH6 (mutS homolog 6; plus strand). Cytogenetic location: 2p16.3.
Variant type: single nucleotide variant.
Coding change: c.2993C>T on transcript NM_000179.3 (MANE Select); coding-DNA position 2993, C replaced by T.
Protein change: p.Ser998Phe; replaces serine 998 with phenylalanine.
Molecular consequence: missense variant.
Genome position (GRCh38, 1-based): chr2:47,800,976, C>T. VCF-style: chr2-47800976-C-T. GRCh37 (hg19) VCF-style: chr2-48028115-C-T.
Other names: c.2603C>T, p.Ser868Phe (NM_001281492.2); c.2087C>T, p.Ser696Phe (NM_001281493.2, NM_001281494.2); short protein forms S998F, S696F, S868F.
Identifiers: ClinVar variation 486905 (VCV000486905.24), dbSNP rs1281207200, ClinGen allele CA346756386.

ClinVar aggregate classification (germline): Uncertain significance. Review status: criteria provided, multiple submitters, no conflicts (2 of 4 stars). 4 submissions from 4 submitters: Uncertain significance (4). Last evaluated 2025-09-19.

Conditions:
Hereditary nonpolyposis colorectal neoplasms. Identifiers: MedGen C0009405, MeSH D003123.
Hereditary cancer-predisposing syndrome. Also called: Tumor predisposition; Hereditary Cancer Syndrome; Hereditary neoplastic syndrome; Neoplastic Syndromes, Hereditary. Identifiers: Orphanet 140162, MedGen C0027672, MeSH D009386, MONDO:0015356.

Submissions (4):

Ambry Genetics
Classification: Uncertain significance for Hereditary cancer-predisposing syndrome. Last evaluated: 2025-09-19. Review status: criteria provided, single submitter. Criteria: Ambry Variant Classification Scheme 2023. Collection method: clinical testing. Allele origin: germline.
Comment: The p.S998F variant (also known as c.2993C>T), located in coding exon 4 of the MSH6 gene, results from a C to T substitution at nucleotide position 2993. The serine at codon 998 is replaced by phenylalanine, an amino acid with highly dissimilar properties. This amino acid position is highly conserved in available vertebrate species. In addition, this alteration is predicted to be deleterious by in silico analysis. Based on the available evidence, the clinical significance of this variant remains unclear.

Color Diagnostics, LLC DBA Color Health
Classification: Uncertain significance for Hereditary cancer-predisposing syndrome. Last evaluated: 2024-03-06. Review status: criteria provided, single submitter. Criteria: ACMG Guidelines, 2015. Collection method: clinical testing. Allele origin: germline.
Comment: This missense variant replaces serine with phenylalanine at codon 998 of the MSH6 protein. Computational prediction suggests that this variant may have deleterious impact on protein structure and function (internally defined REVEL score threshold >= 0.7, PMID: 27666373). Splice site prediction tools suggest that this variant may not impact RNA splicing. To our knowledge, functional studies have not been performed for this variant. This variant has not been reported in individuals affected with hereditary cancer in the literature. This variant has not been identified in the general population by the Genome Aggregation Database (gnomAD). The available evidence is insufficient to determine the role of this variant in disease conclusively. Therefore, this variant is classified as a Variant of Uncertain Significance.

Women's Health and Genetics/Laboratory Corporation of America, LabCorp
Classification: Uncertain significance. Last evaluated: 2024-02-21. Review status: criteria provided, single submitter. Criteria: LabCorp Variant Classification Summary - May 2015. Collection method: clinical testing. Allele origin: germline.
Comment: Variant summary: MSH6 c.2993C>T (p.Ser998Phe) results in a non-conservative amino acid change located in the DNA mismatch repair protein MutS, core domain (IPR007696) of the encoded protein sequence. Five of five in-silico tools predict a damaging effect of the variant on protein function. The variant was absent in 205822 control chromosomes. The available data on variant occurrences in the general population are insufficient to allow any conclusion about variant significance. To our knowledge, no occurrence of c.2993C>T in individuals affected with Lynch Syndrome and no experimental evidence demonstrating its impact on protein function have been reported. ClinVar contains an entry for this variant (Variation ID: 486905). Based on the evidence outlined above, the variant was classified as uncertain significance.

Labcorp Genetics (formerly Invitae), Labcorp
Classification: Uncertain significance for Hereditary nonpolyposis colorectal neoplasms. Last evaluated: 2019-10-16. Review status: criteria provided, single submitter. Criteria: Invitae Variant Classification Sherloc (09022015). Collection method: clinical testing. Allele origin: germline.
Comment: This sequence change replaces serine with phenylalanine at codon 998 of the MSH6 protein (p.Ser998Phe). The serine residue is highly conserved and there is a large physicochemical difference between serine and phenylalanine. This variant is not present in population databases (ExAC no frequency). This variant has not been reported in the literature in individuals with MSH6-related conditions. ClinVar contains an entry for this variant (Variation ID: 486905). Algorithms developed to predict the effect of missense changes on protein structure and function (SIFT, PolyPhen-2, Align-GVGD) all suggest that this variant is likely to be disruptive, but these predictions have not been confirmed by published functional studies and their clinical significance is uncertain. In summary, the available evidence is currently insufficient to determine the role of this variant in disease. Therefore, it has been classified as a Variant of Uncertain Significance.